The following is an entry in ClinVar:

ClinVar aggregate classification (germline): Uncertain significance (1 of 4 stars; one submission).

Conditions:
Dyskeratosis congenita, autosomal recessive 5 (DKCB5). Identifiers: MedGen C3554656, MONDO:0014076, OMIM 615190.
Pulmonary fibrosis and/or bone marrow failure, Telomere-related, 3. Also called: PULMONARY FIBROSIS AND/OR BONE MARROW FAILURE SYNDROME, TELOMERE-RELATED, 3. Identifiers: Orphanet 2032, MedGen C4225346, MONDO:0014613, OMIM 616373.

gnomAD v4.1: 3 of 1,610,394 alleles (0.00019%); no homozygotes.

Submission:

Labcorp Genetics (formerly Invitae), Labcorp
Classification: Uncertain significance for Dyskeratosis congenita, autosomal recessive 5; Pulmonary fibrosis and/or bone marrow failure, Telomere-related, 3. Last evaluated: 2025-04-18. Review status: criteria provided, single submitter. Criteria: Invitae Variant Classification Sherloc (09022015). Collection method: clinical testing. Allele origin: germline.
Comment: This sequence change replaces serine, which is neutral and polar, with threonine, which is neutral and polar, at codon 767 of the RTEL1 protein (p.Ser767Thr). This variant is not present in population databases (gnomAD no frequency). This variant has not been reported in the literature in individuals affected with RTEL1-related conditions. An algorithm developed to predict the effect of missense changes on protein structure and function (PolyPhen-2) suggests that this variant is likely to be tolerated. In summary, the available evidence is currently insufficient to determine the role of this variant in disease. Therefore, it has been classified as a Variant of Uncertain Significance.

NM_001283009.2(RTEL1):c.2300G>C (p.Ser767Thr)

Genes: RTEL1 (regulator of telomere elongation helicase 1; plus strand), RTEL1-TNFRSF6B (RTEL1-TNFRSF6B readthrough (NMD candidate); plus strand). Cytogenetic location: 20q13.33.
Variant type: single nucleotide variant.
Coding change: c.2300G>C on transcript NM_001283009.2 (MANE Select); coding-DNA position 2300, G replaced by C.
Protein change: p.Ser767Thr; replaces serine 767 with threonine.
Molecular consequence: missense variant. On other transcripts: non-coding transcript variant (1).
Genome position (GRCh38, 1-based): chr20:63,690,328, G>C. VCF-style: chr20-63690328-G-C. GRCh37 (hg19) VCF-style: chr20-62321681-G-C.
Other names: c.1631G>C, p.Ser544Thr (NM_001283010.1); c.2300G>C, p.Ser767Thr (NM_016434.4); c.2372G>C, p.Ser791Thr (NM_032957.5); short protein forms S544T, S767T, S791T.
Identifiers: ClinVar variation 4790481 (VCV004790481.1).